The following is an entry in ClinVar:

ClinVar aggregate classification (germline): Pathogenic (1 of 4 stars; one submission).

Conditions:
Hereditary cancer-predisposing syndrome. Also called: Hereditary Cancer Syndrome; Neoplastic Syndromes, Hereditary; Hereditary neoplastic syndrome; Tumor predisposition. Identifiers: Orphanet 140162, MedGen C0027672, MeSH D009386, MONDO:0015356.

Submission:

Ambry Genetics
Classification: Pathogenic for Hereditary cancer-predisposing syndrome. Last evaluated: 2015-02-20. Review status: criteria provided, single submitter. Criteria: Ambry Variant Classification Scheme 2023. Collection method: clinical testing. Allele origin: germline.
Comment: The c.945+2T>C intronic pathogenic mutation results from a T to C substitution two nucleotides after coding exon 6 in the PTCH1 gene. Since alterations that disrupt the canonical splice donor site are typically deleterious in nature, this alteration is interpreted as a disease-causing mutation (ACMG Recommendations for Standards for Interpretation and Reporting of Sequence Variations. Revision 2007. Genet Med. 2008;10:294).

NM_000264.5(PTCH1):c.945+2T>C

Gene: PTCH1 (patched 1; minus strand). Cytogenetic location: 9q22.32.
Variant type: single nucleotide variant.
Coding change: c.945+2T>C on transcript NM_000264.5 (MANE Select); the canonical splice donor site of the intron after coding-DNA position 945, T replaced by C.
Molecular consequence: splice donor variant.
Genome position (GRCh38, 1-based): chr9:95,480,388, A>G on the plus strand (T>C on the coding strand, the complement: PTCH1 is on the minus strand). VCF-style: chr9-95480388-A-G. GRCh37 (hg19) VCF-style: chr9-98242670-A-G.
Other names: c.942+2T>C (NM_001083603.3); c.747+2T>C (NM_001083602.3); c.945+2T>C (NM_001354918.2); c.492+2T>C (NM_001083605.3, NM_001083604.3, NM_001083606.3 and 1 more transcripts).
Identifiers: ClinVar variation 428830 (VCV000428830.5), dbSNP rs1131690979, ClinGen allele CA374113605.
Genomic context (GRCh38, chr9:95,480,388, plus strand): 5'-AATGGACACAAAAAAGTGTTTTGCTCTCCACCCTTCTGAGAGCGCTCACTGCTGGTACTC[A>G]CTTTGGTTGAATTTTTGTTGGGGGCTGTGGCGGGGCAGTCTGGATCGGCCGGATTGAGGC-3'